The following is an entry in ClinVar:

ClinVar aggregate classification (germline): Likely benign (1 of 4 stars; one submission).

gnomAD v4.1: 3 of 1,520,536 alleles (0.0002%); highest among the groups gnomAD compares: Non-Finnish European, 0.00026%; no homozygotes.

Submission:

CeGaT Center for Human Genetics Tuebingen
Classification: Likely benign. Last evaluated: 2024-07-01. Review status: criteria provided, single submitter. Criteria: CeGaT Center For Human Genetics Tuebingen Variant Classification Criteria Version 2. Collection method: clinical testing. Allele origin: germline. Affected: yes. Observed: 1 variant allele.
Comment: KIF1C: PM2:Supporting, BP4, BP7

NM_006612.6(KIF1C):c.3009C>T (p.Leu1003=)

Gene: KIF1C (kinesin family member 1C; plus strand). Cytogenetic location: 17p13.2.
Variant type: single nucleotide variant.
Coding change: c.3009C>T on transcript NM_006612.6 (MANE Select); coding-DNA position 3009, C replaced by T.
Protein change: p.Leu1003=; no amino-acid change (leucine 1003 retained).
Molecular consequence: synonymous variant.
Genome position (GRCh38, 1-based): chr17:5,023,848, C>T. VCF-style: chr17-5023848-C-T. GRCh37 (hg19) VCF-style: chr17-4927143-C-T.
Identifiers: ClinVar variation 3257222 (VCV003257222.17).